The following is an entry in ClinVar:

NM_000053.4(ATP7B):c.3557-2A>G

Gene: ATP7B (ATPase copper transporting beta; minus strand). Cytogenetic location: 13q14.3.
Variant type: single nucleotide variant.
Coding change: c.3557-2A>G on transcript NM_000053.4 (MANE Select); the canonical splice acceptor site of the intron before coding-DNA position 3557, A replaced by G.
Molecular consequence: splice acceptor variant.
Genome position (GRCh38, 1-based): chr13:51,939,195, T>C on the plus strand (A>G on the coding strand, the complement: ATP7B is on the minus strand). VCF-style: chr13-51939195-T-C. GRCh37 (hg19) VCF-style: chr13-52513331-T-C.
Other names: c.3065-2A>G (NM_001406543.1); c.3323-2A>G (NM_001406528.1, NM_001330578.2, NM_001406527.1); c.3413-2A>G (NM_001406522.1, NM_001406520.1, NM_001406521.1); c.3503-2A>G (NM_001406516.1, NM_001406515.1); c.3557-2A>G (NM_001406512.1, NM_001406511.1, NM_001406526.1); c.3305-2A>G (NM_001406532.1, NM_001330579.2, NM_001406531.1); c.3224-2A>G (NM_001243182.2); c.2267-2A>G (NM_001406548.1); and 20 more.
Identifiers: ClinVar variation 1732639 (VCV001732639.3), dbSNP rs1593652717, ClinGen allele CA388024883.
Genomic context (GRCh38, chr13:51,939,195, plus strand): 5'-AGCCAGGGCAGCCTCCTGCTTGACAGCGTCTGCGATTGCGATCATCCCACAGAGCACACC[T>C]GGAGCGAACCAGCCAGCATCAGCAGCTACACAAGTTGGGGCACCCCGCACCAAGATACCA-3'

ClinVar aggregate classification (germline): Pathogenic/Likely pathogenic. Review status: criteria provided, multiple submitters, no conflicts (2 of 4 stars). 2 submissions from 2 submitters: Pathogenic (1); Likely pathogenic (1). Last evaluated 2017-08-03.

Conditions:
Inborn genetic diseases. Identifiers: MedGen C0950123, MeSH D030342.
Wilson disease (WND). Also called: Wilson's disease. Identifiers: Orphanet 905, MedGen C0019202, MONDO:0010200, OMIM 277900. Disease mechanism: loss of function.

Submissions (2):

Ambry Genetics
Classification: Likely pathogenic for Inborn genetic diseases. Last evaluated: 2017-08-03. Review status: criteria provided, single submitter. Criteria: Ambry Variant Classification Scheme 2023. Collection method: clinical testing. Allele origin: germline.
Comment: The c.3557-2A>G intronic variant results from an A to G substitution two nucleotides upstream from coding exon 17 in the ATP7B gene. This variant was identified in the heterozygous state in a patients with Wilson Disease (Dong Y et al. Theranostics. 2016;6(5):638-49); however, it is unclear whether a second pathogenic variant was identified in this patient. This nucleotide position is highly conserved in available vertebrate species. Using the BDGP and ESEfinder splice site prediction tools, this alteration is expected to abolish the native splice acceptor site; however experimental evidence is not currently available. Alterations that disrupt the canonical splice site are expected to cause aberrant splicing, resulting in an abnormal protein or a transcript that is subject to nonsense-mediated mRNA decay. As such, this alteration is classified as likely pathogenic.

Juno Genomics, Hangzhou Juno Genomics, Inc
Classification: Pathogenic for Wilson disease. Review status: criteria provided, single submitter. Criteria: ACMG Guidelines, 2015. Collection method: clinical testing. Allele origin: germline. Affected: yes.
Comment: Absent from controls (or at extremely low frequency if recessive) in Genome Aggregation Database.;Null variant in a gene where loss of function (LOF) is a known mechanism of disease.;For recessive disorders, detected in trans with a pathogenic variant.